The following is an entry in ClinVar:

NM_024996.7(GFM1):c.767del (p.Cys256fs)

Gene: GFM1 (G elongation factor mitochondrial 1; plus strand). Cytogenetic location: 3q25.32.
Variant type: Deletion.
Coding change: c.767del on transcript NM_024996.7 (MANE Select); coding-DNA position 767, one base deleted (G; older notation c.767delG).
Protein change: p.Cys256fs; shifts the reading frame from cysteine 256.
Molecular consequence: frameshift variant. On other transcripts: non-coding transcript variant (4).
Genome position (GRCh38, 1-based): chr3:158,652,173, G deleted. VCF-style (leftmost placement, unchanged base first): chr3-158652172-TG-T. GRCh37 (hg19) VCF-style: chr3-158369961-TG-T.
Other names: c.824del, p.Cys275fs (NM_001308164.2, NM_001374355.1); c.767del, p.Cys256fs (NM_001308166.2); c.650del, p.Cys217fs (NM_001374356.1); c.542del, p.Cys181fs (NM_001374357.1); c.308del, p.Cys103fs (NM_001374358.1); c.200del, p.Cys67fs (NM_001374359.1, NM_001374360.1); c.83del, p.Cys28fs (NM_001374361.1); short protein forms C103fs, C181fs, C217fs, C256fs, C275fs, C28fs, C67fs.
Identifiers: ClinVar variation 4816188 (VCV004816188.1).

ClinVar aggregate classification (germline): Likely pathogenic (1 of 4 stars; one submission).

Conditions:
Hepatoencephalopathy due to combined oxidative phosphorylation defect type 1. Also called: HEPATOENCEPHALOPATHY, EARLY FATAL PROGRESSIVE. Identifiers: Orphanet 137681, MedGen C1836797, MONDO:0012191, OMIM 609060.

Submission:

Natera, Inc.
Classification: Likely pathogenic for Combined oxidative phosphorylation deficiency 1. Last evaluated: 2024-05-10. Review status: criteria provided, single submitter. Criteria: Natera Variant Classification Schema (03/2026). Collection method: clinical testing. Allele origin: germline.
Comment: The c.767del variant in GFM1 is a frameshift variant predicted to shift the reading frame beginning at codon 256 and leads to a stop codon 24 codons downstream. This variant is expected to result in nonsense mediated decay, truncation, or a dysfunctional protein product. This variant is rare in the general population with a frequency below the threshold expected for the associated phenotype(s). Given the available evidence, this variant is classified as Likely Pathogenic.